The following is an entry in ClinVar:

ClinVar aggregate classification (germline): Pathogenic. Review status: reviewed by expert panel (3 of 4 stars). 8 submissions from 8 submitters: Pathogenic (1). 7 of the submissions do not count toward it. Last evaluated 2017-03-17.

Conditions:
CFTR-related disorder (CFTR-RD). Also called: CFTR-related disorders; CFTR-related condition. Identifiers: MedGen C5924204, MONDO:7770004.
Cystic fibrosis (CF). Also called: MUCOVISCIDOSIS. Identifiers: Orphanet 586, MedGen C0010674, MONDO:0009061, OMIM 219700. Disease mechanism: loss of function.

Submissions (8):

CFTR2
Classification: Pathogenic for Cystic fibrosis. Last evaluated: 2017-03-17. Review status: reviewed by expert panel. Criteria: Sosnay PR et al. (Nat Genet 2013). Collection method: research. Allele origin: germline. Affected: yes. Study: CFTR2.

Labcorp Genetics (formerly Invitae), Labcorp
Classification: Pathogenic for Cystic fibrosis. Last evaluated: 2025-04-10. Review status: criteria provided, single submitter. Criteria: Invitae Variant Classification Sherloc (09022015). Collection method: clinical testing. Allele origin: germline. Not counted in ClinVar's aggregate classification.
Comment: This sequence change creates a premature translational stop signal (p.Tyr1014Thrfs*9) in the CFTR gene. It is expected to result in an absent or disrupted protein product. Loss-of-function variants in CFTR are known to be pathogenic (PMID: 1695717, 7691345, 9725922). This variant is not present in population databases (gnomAD no frequency). This premature translational stop signal has been observed in individual(s) with cystic fibrosis (PMID: 10794365, 11668613). This variant is also known as 3171delC. ClinVar contains an entry for this variant (Variation ID: 53636). For these reasons, this variant has been classified as Pathogenic.

ARUP Laboratories, Molecular Genetics and Genomics, ARUP Laboratories
Classification: Pathogenic. Last evaluated: 2023-01-17. Review status: criteria provided, single submitter. Criteria: ARUP Molecular Germline Variant Investigation Process 2024. Collection method: clinical testing. Allele origin: germline. Not counted in ClinVar's aggregate classification.
Comment: The CFTR c.3039delC; p.Tyr1014ThrfsTer9 variant (also known as 3171delC) has been reported in cystic fibrosis patients with pancreatic insufficiency (Bernardino 2000, Wong 2001, CFTR2 database). This variant is also reported in ClinVar (Variation ID: 53636). It is absent from the Genome Aggregation Database, indicating it is not a common polymorphism. This variant causes a frameshift by deleting a single nucleotide, so it is predicted to result in a truncated protein or mRNA subject to nonsense-mediated decay. Based on available information, this variant is considered to be pathogenic. References: CFTR2 database: Bernardino AL et al. Molecular analysis in Brazilian cystic fibrosis patients reveals five novel mutations. Genet Test. 2000;4(1):69-74. PMID: 10794365. Wong LJ et al. Improved detection of CFTR mutations in Southern California Hispanic CF patients. Hum Mutat. 2001 Oct;18(4):296-307. PMID: 11668613.

Institute of Human Genetics, University of Leipzig Medical Center
Classification: Pathogenic for Cystic fibrosis. Last evaluated: 2022-09-05. Review status: criteria provided, single submitter. Criteria: ACMG Guidelines, 2015. Collection method: curation. Allele origin: unknown. Affected: yes. Observed: 1 variant allele. Not counted in ClinVar's aggregate classification.
Comment: The variant was classified in the context of a project re-classifying variants in the German Cystic Fibrosis Registry (Muko.e.V.). Criteria applied: PVS1, PM2_SUP, PM3_STR, PP4

Ambry Genetics
Classification: Pathogenic for Cystic fibrosis. Last evaluated: 2019-05-09. Review status: criteria provided, single submitter. Criteria: Ambry Variant Classification Scheme 2023. Collection method: clinical testing. Allele origin: germline. Not counted in ClinVar's aggregate classification.
Comment: The c.3039delC pathogenic mutation (also known as 3171delC), located in coding exon 19 of the CFTR gene, results from a deletion of one nucleotide at nucleotide position 3039, causing a translational frameshift with a predicted alternate stop codon (p.Y1014Tfs*9). The mutation was identified in 2 individual with cystic fibrosis in conjunction with p.F508del (Bernardino AL et al. Genet. Test., 2000;4:69-74; Wong LJ et al. Hum. Mutat., 2001 Oct;18:296-307). In addition to the clinical data presented in the literature, this alteration is expected to result in loss of function by premature protein truncation or nonsense-mediated mRNA decay. As such, this alteration is interpreted as a disease-causing mutation.

Mendelics
Classification: Pathogenic for Cystic fibrosis. Last evaluated: 2018-11-05. Review status: criteria provided, single submitter. Criteria: Mendelics Assertion Criteria 2017. Collection method: clinical testing. Allele origin: unknown. Affected: yes. Not counted in ClinVar's aggregate classification.

Natera, Inc.
Classification: Pathogenic for CFTR-related disorders. Last evaluated: 2017-03-17. Review status: no assertion criteria provided. Collection method: clinical testing. Allele origin: germline. Not counted in ClinVar's aggregate classification.

Counsyl
Classification: Pathogenic for Cystic fibrosis. Last evaluated: 2016-02-04. Review status: no assertion criteria provided. Collection method: clinical testing. Allele origin: unknown. Not counted in ClinVar's aggregate classification.

Literature cited by the submitters: PubMed 1695717 (cited by Labcorp Genetics (formerly Invitae), Labcorp); PubMed 7691345 (cited by Labcorp Genetics (formerly Invitae), Labcorp); PubMed 9725922 (cited by Labcorp Genetics (formerly Invitae), Labcorp); PubMed 10794365 (cited by 3 submitters); PubMed 11668613 (cited by 3 submitters).

NM_000492.4(CFTR):c.3039del (p.Tyr1014fs)

Genes: CFTR (CF transmembrane conductance regulator; plus strand), CFTR-AS2 (CFTR antisense RNA 2; minus strand), LOC111674472 (DNase I hypersensitive sites in introns 16 and 17a of CFTR; plus strand). Cytogenetic location: 7q31.2.
Variant type: Deletion.
Coding change: c.3039del on transcript NM_000492.4 (MANE Select); coding-DNA position 3039, one base deleted (C; older notation c.3039delC).
Protein change: p.Tyr1014fs; shifts the reading frame from tyrosine 1014.
Molecular consequence: frameshift variant.
Genome position (GRCh38, 1-based): chr7:117,610,569, C deleted; the last of 3 consecutive C bases (chr7:117,610,567-117,610,569); deleting any one gives the same sequence. VCF-style (leftmost placement, unchanged base first): chr7-117610566-AC-A. GRCh37 (hg19) VCF-style: chr7-117250620-AC-A.
Other names: 3171delC; c.3039delC (NM_000492.3); short protein forms Y1014fs.
Identifiers: ClinVar variation 53636 (VCV000053636.17), dbSNP rs121908781, ClinGen allele CA327024.